The following is an entry in ClinVar:

NM_001142800.2(EYS):c.4026C>T (p.Ser1342=)

Gene: EYS (EGF-like photoreceptor maintenance factor; minus strand). Cytogenetic location: 6q12.
Variant type: single nucleotide variant.
Coding change: c.4026C>T on transcript NM_001142800.2 (MANE Select); coding-DNA position 4026, C replaced by T.
Protein change: p.Ser1342=; no amino-acid change (serine 1342 retained).
Molecular consequence: synonymous variant.
Genome position (GRCh38, 1-based): chr6:64,591,841, G>A on the plus strand (C>T on the coding strand, the complement: EYS is on the minus strand). VCF-style: chr6-64591841-G-A. GRCh37 (hg19) VCF-style: chr6-65301734-G-A.
Other names: p.S1342S:TCC>TCT; c.4026C>T (FM209056.1); c.4026C>T, p.Ser1342= (NM_001292009.2).
Identifiers: ClinVar variation 93609 (VCV000093609.26), dbSNP rs12663619, ClinGen allele CA147135.

ClinVar aggregate classification (germline): Benign. Review status: criteria provided, multiple submitters, no conflicts (2 of 4 stars). 10 submissions from 10 submitters: Benign (7). 3 of the submissions do not count toward it. Last evaluated 2026-02-04.

Conditions:
Retinal dystrophy. Also called: Inherited retinal dystrophy. Identifiers: Orphanet 71862, MedGen C0854723, MeSH D058499, MONDO:0019118, HP:0000556.
Retinitis pigmentosa (RP). Identifiers: Orphanet 791, MedGen C0035334, MeSH D012174, MONDO:0019200, OMIM 268000. Inheritance: Autosomal dominant, autosomal recessive and X linked inheritance.
Retinitis pigmentosa 25 (RP25). Identifiers: Orphanet 791, MedGen C1864446, MONDO:0011272, OMIM 602772.

Allele frequency attached by ClinVar (database versions not stated): ExAC 0.10363; gnomAD exomes 0.11839 and 0.13251; 1000 Genomes Project 0.09385; gnomAD 0.10095 and 0.09859; 1000 Genomes Project 30x 0.09244; TOPMed 0.10464; ESP Exome Variant Server 0.10841.
gnomAD v4.1: 200,111 of 1,550,060 alleles (13%); highest among the groups gnomAD compares: East Asian, 15%; 13,847 homozygotes.

Submissions (10):

Labcorp Genetics (formerly Invitae), Labcorp
Classification: Benign. Last evaluated: 2026-02-04. Review status: criteria provided, single submitter. Criteria: Invitae Variant Classification Sherloc (09022015). Collection method: clinical testing. Allele origin: germline.

Women's Health and Genetics/Laboratory Corporation of America, LabCorp
Classification: Benign. Last evaluated: 2025-11-24. Review status: criteria provided, single submitter. Criteria: LabCorp Variant Classification Summary - May 2015. Collection method: clinical testing. Allele origin: germline.

Dept Of Ophthalmology, Nagoya University
Classification: Benign for Retinal dystrophy. Last evaluated: 2023-10-01. Review status: criteria provided, single submitter. Criteria: Submitter's publication. Collection method: research. Allele origin: germline. Affected: yes.

Genome-Nilou Lab
Classification: Benign for Retinitis pigmentosa 25. Last evaluated: 2021-07-01. Review status: criteria provided, single submitter. Criteria: ACMG Guidelines, 2015. Collection method: clinical testing. Allele origin: germline. Affected: no.

Illumina Laboratory Services, Illumina
Classification: Benign for Retinitis pigmentosa. Last evaluated: 2018-01-13. Review status: criteria provided, single submitter. Criteria: ICSL Variant Classification Criteria 13 December 2019. Collection method: clinical testing. Allele origin: germline.
Comment: This variant was observed in the ICSL laboratory as part of a predisposition screen in an ostensibly healthy population. It had not been previously curated by ICSL or reported in the Human Gene Mutation Database (HGMD: prior to June 1st, 2018), and was therefore a candidate for classification through an automated scoring system. Utilizing variant allele frequency, disease prevalence and penetrance estimates, and inheritance mode, an automated score was calculated to assess if this variant is too frequent to cause the disease. Based on the score and internal cut-off values, a variant classified as benign is not then subjected to further curation. The score for this variant resulted in a classification of benign for this disease.

Eurofins Ntd Llc (ga)
Classification: Benign. Last evaluated: 2013-09-19. Review status: criteria provided, single submitter. Criteria: EGL Classification Definitions 2015. Collection method: clinical testing. Allele origin: germline. Observed: 2 variant alleles, 2 heterozygotes.

GeneDx
Classification: Benign. Last evaluated: 2011-08-11. Review status: criteria provided, single submitter. Criteria: GeneDx Variant Classification (06012015). Collection method: clinical testing. Allele origin: germline. Affected: yes.
Comment: This variant is considered likely benign or benign based on one or more of the following criteria: it is a conservative change, it occurs at a poorly conserved position in the protein, it is predicted to be benign by multiple in silico algorithms, and/or has population frequency not consistent with disease.

Natera, Inc.
Classification: Benign for Retinitis pigmentosa. Last evaluated: 2020-09-16. Review status: no assertion criteria provided. Collection method: clinical testing. Allele origin: germline. Not counted in ClinVar's aggregate classification.

Clinical Genetics DNA and cytogenetics Diagnostics Lab, Erasmus MC, Erasmus Medical Center
Classification: Benign. Review status: no assertion criteria provided. Collection method: clinical testing. Allele origin: germline. Affected: yes. Study: VKGL Data-share Consensus. Not counted in ClinVar's aggregate classification.

Joint Genome Diagnostic Labs from Nijmegen and Maastricht, Radboudumc and MUMC+
Classification: Benign. Review status: no assertion criteria provided. Collection method: clinical testing. Allele origin: germline. Affected: yes. Study: VKGL Data-share Consensus. Not counted in ClinVar's aggregate classification.